The following is an entry in ClinVar:

ClinVar aggregate classification (germline): Conflicting classifications of pathogenicity. Review status: criteria provided, conflicting classifications (1 of 4 stars). 3 submissions from 3 submitters: Uncertain significance (2); Likely benign (1). Last evaluated 2025-12-14.

Allele frequency attached by ClinVar (database versions not stated): gnomAD exomes 0.00013 and 0.00037; ExAC 0.00047; gnomAD 0.00160 and 0.00172; TOPMed 0.00168; ESP Exome Variant Server 0.00192; 1000 Genomes Project 0.00220; 1000 Genomes Project 30x 0.00250.
gnomAD v4.1: 453 of 1,609,356 alleles (0.028%); highest among the groups gnomAD compares: African/African-American, 0.54%; 1 homozygote.

Submissions (3):

Labcorp Genetics (formerly Invitae), Labcorp
Classification: Likely benign. Last evaluated: 2025-12-14. Review status: criteria provided, single submitter. Criteria: Invitae Variant Classification Sherloc (09022015). Collection method: clinical testing. Allele origin: germline.

Women's Health and Genetics/Laboratory Corporation of America, LabCorp
Classification: Uncertain significance. Last evaluated: 2023-04-05. Review status: criteria provided, single submitter. Criteria: LabCorp Variant Classification Summary - May 2015. Collection method: clinical testing. Allele origin: germline.
Comment: Variant summary: NBEAL2 c.5600C>T (p.Thr1867Ile) results in a non-conservative amino acid change in the encoded protein sequence. Three of five in-silico tools predict a benign effect of the variant on protein function. The variant allele was found at a frequency of 0.00037 in 246536 control chromosomes (gnomAD). To our knowledge, no occurrence of c.5600C>T in individuals affected with Gray Platelet Syndrome and no experimental evidence demonstrating its impact on protein function have been reported. One clinical diagnostic laboratory has submitted clinical-significance assessments for this variant to ClinVar after 2014 and classified the variant as uncertain significance. Based on the evidence outlined above, the variant was classified as uncertain significance.

CeGaT Center for Human Genetics Tuebingen
Classification: Uncertain significance. Last evaluated: 2019-06-01. Review status: criteria provided, single submitter. Criteria: CeGaT Center For Human Genetics Tuebingen Variant Classification Criteria Version 2. Collection method: clinical testing. Allele origin: germline. Affected: yes. Observed: 3 variant alleles.

NM_015175.3(NBEAL2):c.5600C>T (p.Thr1867Ile)

Gene: NBEAL2 (neurobeachin like 2; plus strand). Cytogenetic location: 3p21.31.
Variant type: single nucleotide variant.
Coding change: c.5600C>T on transcript NM_015175.3 (MANE Select); coding-DNA position 5600, C replaced by T.
Protein change: p.Thr1867Ile; replaces threonine 1867 with isoleucine.
Molecular consequence: missense variant.
Genome position (GRCh38, 1-based): chr3:47,003,189, C>T. VCF-style: chr3-47003189-C-T. GRCh37 (hg19) VCF-style: chr3-47044679-C-T.
Other names: c.5498C>T, p.Thr1833Ile (NM_001365116.2); c.5600C>T (NM_015175.2); short protein forms T1833I, T1867I.
Identifiers: ClinVar variation 809477 (VCV000809477.44), dbSNP rs187699322, ClinGen allele CA2361605.
Genomic context (GRCh38, chr3:47,003,189, plus strand): 5'-TCCTGTCCTGCCTTGCTTCTGCTGAGTACCCTTGGCCCCTTGCAGGTGAGGTTCCCCTGA[C>T]ACCCACCGAGGAGGCCTCACTGCCTCTGGCAGTGACCAAAGAGGCCAAAGTGAGCACCCC-3'
Protein context (NP_055990.1, residues 1857-1877): LRDNLGEVPL[Thr1867Ile]PTEEASLPLA